The following is an entry in ClinVar:

ClinVar aggregate classification (germline): Uncertain significance (1 of 4 stars; one submission).

Conditions:
RYR1-related disorder. Also called: RYR1-related condition; RYR1-related disorders. Identifiers: MedGen CN239331.

Submission:

Labcorp Genetics (formerly Invitae), Labcorp
Classification: Uncertain significance for RYR1-related disorder. Last evaluated: 2022-09-01. Review status: criteria provided, single submitter. Criteria: Invitae Variant Classification Sherloc (09022015). Collection method: clinical testing. Allele origin: germline.
Comment: In summary, the available evidence is currently insufficient to determine the role of this variant in disease. Therefore, it has been classified as a Variant of Uncertain Significance. Algorithms developed to predict the effect of missense changes on protein structure and function are either unavailable or do not agree on the potential impact of this missense change (SIFT: "Deleterious"; PolyPhen-2: "Probably Damaging"; Align-GVGD: "Class C0"). ClinVar contains an entry for this variant (Variation ID: 544444). This variant has not been reported in the literature in individuals affected with RYR1-related conditions. This variant is not present in population databases (gnomAD no frequency). This sequence change replaces tyrosine, which is neutral and polar, with histidine, which is basic and polar, at codon 1433 of the RYR1 protein (p.Tyr1433His).

NM_000540.3(RYR1):c.4297T>C (p.Tyr1433His)

Gene: RYR1 (ryanodine receptor 1; plus strand). Cytogenetic location: 19q13.2.
Variant type: single nucleotide variant.
Coding change: c.4297T>C on transcript NM_000540.3 (MANE Select); coding-DNA position 4297, T replaced by C.
Protein change: p.Tyr1433His; replaces tyrosine 1433 with histidine.
Molecular consequence: missense variant.
Genome position (GRCh38, 1-based): chr19:38,477,713, T>C. VCF-style: chr19-38477713-T-C. GRCh37 (hg19) VCF-style: chr19-38968353-T-C.
Other names: c.4297T>C, p.Tyr1433His (NM_001042723.2); short protein forms Y1433H.
Identifiers: ClinVar variation 544444 (VCV000544444.8), dbSNP rs1555777044, ClinGen allele CA405645641.